The following is an entry in ClinVar:

ClinVar aggregate classification (germline): Conflicting classifications of pathogenicity. Review status: criteria provided, conflicting classifications (1 of 4 stars). 5 submissions from 5 submitters: Uncertain significance (3); Likely benign (2). Last evaluated 2024-08-21.

Conditions:
Hereditary cancer-predisposing syndrome. Also called: Tumor predisposition; Neoplastic Syndromes, Hereditary; Hereditary Cancer Syndrome; Hereditary neoplastic syndrome. Identifiers: Orphanet 140162, MedGen C0027672, MeSH D009386, MONDO:0015356.
Hereditary breast ovarian cancer syndrome. Also called: Hereditary breast and ovarian cancer syndrome (HBOC); Hereditary breast and ovarian cancer syndrome; Hereditary breast and ovarian cancer; Hereditary breast and/or ovarian cancer syndrome; Breast and ovarian cancer; BRCA1- and BRCA2-Associated Hereditary Breast and Ovarian Cancer. Identifiers: Orphanet 145, MedGen C0677776, MeSH D061325, MONDO:0003582. Disease mechanism: loss of function.
Breast-ovarian cancer, familial, susceptibility to, 1 (BROVCA1). Also called: OVARIAN CANCER, SUSCEPTIBILITY TO; BRCA1 Hereditary Breast and Ovarian Cancer. Identifiers: Orphanet 145, MedGen C2676676, MONDO:0011450, OMIM 604370. Disease mechanism: loss of function.

Allele frequency attached by ClinVar (database versions not stated): gnomAD exomes below 0.00001.
gnomAD v4.1: 4 of 1,613,958 alleles (0.00025%); highest among the groups gnomAD compares: Non-Finnish European, 0.00034%; no homozygotes.

Submissions (5):

Ambry Genetics
Classification: Uncertain significance for Hereditary cancer-predisposing syndrome. Last evaluated: 2024-08-21. Review status: criteria provided, single submitter. Criteria: Ambry Variant Classification Scheme 2023. Collection method: clinical testing. Allele origin: germline.
Comment: The p.H662Y variant (also known as c.1984C>T), located in coding exon 9 of the BRCA1 gene, results from a C to T substitution at nucleotide position 1984. The histidine at codon 662 is replaced by tyrosine, an amino acid with similar properties. This amino acid position is not well conserved in available vertebrate species. In addition, the in silico prediction for this alteration is inconclusive. Since supporting evidence is limited at this time, the clinical significance of this alteration remains unclear.

Labcorp Genetics (formerly Invitae), Labcorp
Classification: Uncertain significance for Hereditary breast ovarian cancer syndrome. Last evaluated: 2024-08-12. Review status: criteria provided, single submitter. Criteria: Invitae Variant Classification Sherloc (09022015). Collection method: clinical testing. Allele origin: germline.
Comment: This sequence change replaces histidine, which is basic and polar, with tyrosine, which is neutral and polar, at codon 662 of the BRCA1 protein (p.His662Tyr). This variant is not present in population databases (gnomAD no frequency). This missense change has been observed in individual(s) with breast cancer (PMID: 17250666, 27882536). ClinVar contains an entry for this variant (Variation ID: 54426). Advanced modeling of protein sequence and biophysical properties (such as structural, functional, and spatial information, amino acid conservation, physicochemical variation, residue mobility, and thermodynamic stability) performed at Invitae indicates that this missense variant is not expected to disrupt BRCA1 protein function with a negative predictive value of 95%. RNA analysis performed to evaluate the impact of this missense change on mRNA splicing indicates it does not significantly alter splicing (Invitae). In summary, the available evidence is currently insufficient to determine the role of this variant in disease. Therefore, it has been classified as a Variant of Uncertain Significance.

Myriad Genetics, Inc.
Classification: Likely benign for Breast-ovarian cancer, familial, susceptibility to, 1. Last evaluated: 2024-07-16. Review status: criteria provided, single submitter. Criteria: Myriad Autosomal Dominant, Autosomal Recessive and X-Linked Classification Criteria (2023). Collection method: clinical testing. Allele origin: unknown.
Comment: This variant is considered likely benign. This variant is strongly associated with less severe personal and family histories of cancer, typical for individuals without pathogenic variants in this gene [PMID: 25085752].

University of Washington Department of Laboratory Medicine, University of Washington
Classification: Likely benign for Hereditary cancer-predisposing syndrome. Last evaluated: 2023-03-23. Review status: criteria provided, single submitter. Criteria: Dines et al. (Genet Med. 2020). Collection method: curation. Allele origin: germline.
Comment: Missense variant in a coldspot region where missense variants are very unlikely to be pathogenic (PMID:31911673).

BRCA1 coldspot (exon 11 using historical exon numbering). Reclassification based on statistical prior probability

Women's Health and Genetics/Laboratory Corporation of America, LabCorp
Classification: Uncertain significance. Last evaluated: 2022-03-07. Review status: criteria provided, single submitter. Criteria: LabCorp Variant Classification Summary - May 2015. Collection method: clinical testing. Allele origin: germline.
Comment: Variant summary: BRCA1 c.1984C>T (p.His662Tyr) results in a conservative amino acid change in the encoded protein sequence. Four of five in-silico tools predict a benign effect of the variant on protein function. The variant was absent in 251084 control chromosomes (gnomAD). The available data on variant occurrences in the general population are insufficient to allow any conclusion about variant significance. c.1984C>T has been reported in the literature in individuals affected with Breast Cancer (Loizidou_2007, Loizidou_2017, Dorling_2021). These reports do not provide unequivocal conclusions about association of the variant with Hereditary Breast And Ovarian Cancer Syndrome. To our knowledge, no experimental evidence demonstrating an impact on protein function has been reported. Two ClinVar submitters have assessed the variant since 2014: both classified the variant as of uncertain significance. Based on the evidence outlined above, the variant was classified as uncertain significance.

Literature cited by the submitters: PubMed 17250666 (cited by 3 submitters); PubMed 27882536 (cited by Labcorp Genetics (formerly Invitae), Labcorp and Women's Health and Genetics/Laboratory Corporation of America, LabCorp); PubMed 25085752 (cited by Myriad Genetics, Inc.); PubMed 33471991 (cited by Women's Health and Genetics/Laboratory Corporation of America, LabCorp).

NM_007294.4(BRCA1):c.1984C>T (p.His662Tyr)

Gene: BRCA1 (BRCA1 DNA repair associated; minus strand). Cytogenetic location: 17q21.31.
Variant type: single nucleotide variant.
Coding change: c.1984C>T on transcript NM_007294.4 (MANE Select); coding-DNA position 1984, C replaced by T.
Protein change: p.His662Tyr; replaces histidine 662 with tyrosine.
Molecular consequence: missense variant. On other transcripts: intron variant (137).
Genome position (GRCh38, 1-based): chr17:43,093,547, G>A on the plus strand (C>T on the coding strand, the complement: BRCA1 is on the minus strand). VCF-style: chr17-43093547-G-A. GRCh37 (hg19) VCF-style: chr17-41245564-G-A.
Other names: c.1096C>T, p.His366Tyr (NM_001407966.1, NM_001407967.1); c.1843C>T, p.His615Tyr (NM_007297.4, NM_001407692.1, NM_001407694.1 and 29 more transcripts); c.1984C>T, p.His662Tyr (NM_007300.4, NM_001407581.1, NM_001407582.1 and 30 more transcripts); c.646+1197C>T (NM_001408458.1, NM_001408469.1, NM_001408453.1 and 11 more transcripts); c.283+1197C>T (NM_001408512.1); c.406+1197C>T (NM_001408510.1); c.643+1197C>T (NM_001408470.1, NM_001408464.1, NM_001408468.1 and 3 more transcripts); c.784+1197C>T (NM_001408397.1, NM_001408401.1, NM_001408396.1 and 13 more transcripts); and 40 more; short protein forms H662Y, H615Y, H366Y, H535Y, H551Y, H594Y, H659Y, H534Y.
Identifiers: ClinVar variation 54426 (VCV000054426.17), dbSNP rs397508927, ClinGen allele CA001320.
Genomic context (GRCh38, chr17:43,093,547, plus strand): 5'-TACTCTTCTTGGCTCCAGTTGCAGGTTCTTTACCTTCCATGAGTTGTAGGTTTCTGCTGT[G>A]CCTGACTGGCATTTGGTTGTACTTTTTTTTCTTTATCTCTTCACTGCTAGAACAACTATC-3'
Protein context (NP_009225.1, residues 652-672): KKKYNQMPVR[His662Tyr]SRNLQLMEGK